The following is an entry in ClinVar:

NM_000257.4(MYH7):c.3863C>T (p.Ser1288Phe)

Gene: MYH7 (myosin heavy chain 7; minus strand). Cytogenetic location: 14q11.2.
Variant type: single nucleotide variant.
Coding change: c.3863C>T on transcript NM_000257.4 (MANE Select); coding-DNA position 3863, C replaced by T.
Protein change: p.Ser1288Phe; replaces serine 1288 with phenylalanine.
Molecular consequence: missense variant.
Genome position (GRCh38, 1-based): chr14:23,419,286, G>A on the plus strand (C>T on the coding strand, the complement: MYH7 is on the minus strand). VCF-style: chr14-23419286-G-A. GRCh37 (hg19) VCF-style: chr14-23888495-G-A.
Other names: c.3863C>T, p.Ser1288Phe (NM_001407004.1); short protein forms S1288F.
Identifiers: ClinVar variation 4758443 (VCV004758443.1).

ClinVar aggregate classification (germline): Uncertain significance (1 of 4 stars; one submission).

Conditions:
Cardiomyopathy (CMYO). Also called: Cardiomyopathies. Identifiers: Orphanet 167848, MedGen C0878544, MONDO:0004994, HP:0001638. Inheritance: Various modes of inheritance.

Submission:

Color Diagnostics, LLC DBA Color Health
Classification: Uncertain significance for Cardiomyopathy. Last evaluated: 2025-06-03. Review status: criteria provided, single submitter. Criteria: ACMG Guidelines, 2015. Collection method: clinical testing. Allele origin: germline.
Comment: This missense variant replaces serine with phenylalanine at codon 1288 of the MYH7 protein. Computational prediction suggests that this variant may not impact protein structure and function. To our knowledge, functional studies have not been reported for this variant. This variant has not been reported in individuals affected with MYH7-related disorders in the literature. This variant has not been identified in the general population by the Genome Aggregation Database (gnomAD). The available evidence is insufficient to determine the role of this variant in disease conclusively. Therefore, this variant is classified as a Variant of Uncertain Significance.